The following is an entry in ClinVar:

ClinVar aggregate classification (germline): Pathogenic/Likely pathogenic. Review status: criteria provided, multiple submitters, no conflicts (2 of 4 stars). 3 submissions from 3 submitters: Pathogenic (1); Likely pathogenic (1). 1 of the submissions does not count toward it. Last evaluated 2024-03-12.

Conditions:
Spastic paraplegia. Identifiers: MedGen C0037772, HP:0001258.
Charlevoix-Saguenay spastic ataxia (SACS). Also called: SPASTIC ATAXIA 6, AUTOSOMAL RECESSIVE; AUTOSOMAL RECESSIVE SPASTIC ATAXIA OF CHARLEVOIX-SAGUENAY; Spastic ataxia of Charlevoix-Saguenay. Identifiers: Orphanet 98, MedGen C1849140, MONDO:0010041, OMIM 270550.

Allele frequency attached by ClinVar (database versions not stated): gnomAD exomes below 0.00001 and 0.00002; TOPMed below 0.00001.

Submissions (3):

Baylor Genetics
Classification: Likely pathogenic for Charlevoix-Saguenay spastic ataxia. Last evaluated: 2024-03-12. Review status: criteria provided, single submitter. Criteria: ACMG Guidelines, 2015. Collection method: clinical testing. Allele origin: unknown.

Labcorp Genetics (formerly Invitae), Labcorp
Classification: Pathogenic for Spastic paraplegia. Last evaluated: 2023-09-06. Review status: criteria provided, single submitter. Criteria: Invitae Variant Classification Sherloc (09022015). Collection method: clinical testing. Allele origin: germline.
Comment: For these reasons, this variant has been classified as Pathogenic. This variant disrupts a region of the SACS protein in which other variant(s) (p.Asn4549Asp) have been determined to be pathogenic (PMID: 15156359, 21507954). This suggests that this is a clinically significant region of the protein, and that variants that disrupt it are likely to be disease-causing. ClinVar contains an entry for this variant (Variation ID: 553130). This variant has not been reported in the literature in individuals affected with SACS-related conditions. This variant is present in population databases (no rsID available, gnomAD 0.0009%). This sequence change creates a premature translational stop signal (p.Cys2635Alafs*104) in the SACS gene. While this is not anticipated to result in nonsense mediated decay, it is expected to disrupt the last 1945 amino acid(s) of the SACS protein.

Counsyl
Classification: Likely pathogenic for Charlevoix-Saguenay spastic ataxia. Last evaluated: 2017-07-28. Review status: no assertion criteria provided. Collection method: clinical testing. Allele origin: unknown. Not counted in ClinVar's aggregate classification.

Literature cited by the submitters: PubMed 15156359 (cited by Labcorp Genetics (formerly Invitae), Labcorp); PubMed 21507954 (cited by Labcorp Genetics (formerly Invitae), Labcorp).

NM_014363.6(SACS):c.7903del (p.Cys2635fs)

Gene: SACS (sacsin molecular chaperone; minus strand). Cytogenetic location: 13q12.12.
Variant type: Deletion.
Coding change: c.7903del on transcript NM_014363.6 (MANE Select); coding-DNA position 7903, one base deleted (T; older notation c.7903delT).
Protein change: p.Cys2635fs; shifts the reading frame from cysteine 2635.
Molecular consequence: frameshift variant.
Genome position (GRCh38, 1-based): chr13:23,335,973, A deleted on the plus strand (T on the coding strand, the reverse complement: SACS is on the minus strand). VCF-style (leftmost placement, unchanged base first): chr13-23335972-CA-C. GRCh37 (hg19) VCF-style: chr13-23910111-CA-C.
Other names: c.7462del, p.Cys2488fs (NM_001278055.2); short protein forms C2488fs, C2635fs.
Identifiers: ClinVar variation 553130 (VCV000553130.10), dbSNP rs1028098148, ClinGen allele CA246656460.